The following is an entry in ClinVar:

ClinVar aggregate classification (germline): Uncertain significance (1 of 4 stars; one submission).

gnomAD v4.1: 1 of 1,533,296 alleles (0.000065%); highest among the groups gnomAD compares: Non-Finnish European, 0.000087%; no homozygotes.

Submission:

CeGaT Center for Human Genetics Tuebingen
Classification: Uncertain significance. Last evaluated: 2024-01-01. Review status: criteria provided, single submitter. Criteria: CeGaT Center For Human Genetics Tuebingen Variant Classification Criteria Version 2. Collection method: clinical testing. Allele origin: germline. Affected: yes. Observed: 1 variant allele.
Comment: SLC12A5: PM2

NM_001134771.2(SLC12A5):c.34C>G (p.Pro12Ala)

Genes: SLC12A5 (solute carrier family 12 member 5; plus strand), SLC12A5-AS1 (SLC12A5 and MMP9 antisense RNA 1; minus strand), LOC130065980 (ATAC-STARR-seq lymphoblastoid silent region 12971; plus strand). Cytogenetic location: 20q13.12.
Variant type: single nucleotide variant.
Coding change: c.34C>G on transcript NM_001134771.2; coding-DNA position 34, C replaced by G.
Protein change: p.Pro12Ala; replaces proline 12 with alanine.
Molecular consequence: missense variant. On other transcripts: non-coding transcript variant (1).
Genome position (GRCh38, 1-based): chr20:46,021,799, C>G. VCF-style: chr20-46021799-C-G. GRCh37 (hg19) VCF-style: chr20-44650438-C-G.
Other names: short protein forms P12A.
Identifiers: ClinVar variation 2652356 (VCV002652356.22), dbSNP rs2145463602, ClinGen allele CA409229660.